The following is an entry in ClinVar:

ClinVar aggregate classification (germline): Pathogenic. Review status: criteria provided, multiple submitters, no conflicts (2 of 4 stars). 9 submissions from 9 submitters: Pathogenic (9). Last evaluated 2025-10-09.

Conditions:
Hereditary cancer-predisposing syndrome. Also called: Neoplastic Syndromes, Hereditary; Hereditary Cancer Syndrome; Tumor predisposition; Hereditary neoplastic syndrome. Identifiers: Orphanet 140162, MedGen C0027672, MeSH D009386, MONDO:0015356.
Breast-ovarian cancer, familial, susceptibility to, 5 (BROVCA5). Identifiers: MedGen C5830615, MONDO:0957530, OMIM 620442.
Pancreatic cancer, susceptibility to, 3. Identifiers: Orphanet 1333, MedGen C3150547, MONDO:0013236, OMIM 613348.
Fanconi anemia complementation group N. Also called: PALB2-Related Fanconi Anemia. Identifiers: Orphanet 84, MedGen C1835817, MONDO:0012565, OMIM 610832. Disease mechanism: loss of function.
PALB2-related disorder. Also called: PALB2-related disorders; PALB2-related condition.
Familial cancer of breast. Also called: Hereditary breast cancer; hereditary breast carcinoma; BREAST CANCER, FAMILIAL. Identifiers: Orphanet 227535, MedGen C0346153, MONDO:0016419, OMIM 114480. Disease mechanism: loss of function.

Allele frequency attached by ClinVar (database versions not stated): gnomAD exomes below 0.00001 and 0.00001.

Submissions (9):

Labcorp Genetics (formerly Invitae), Labcorp
Classification: Pathogenic for Familial cancer of breast. Last evaluated: 2025-10-09. Review status: criteria provided, single submitter. Criteria: Invitae Variant Classification Sherloc (09022015). Collection method: clinical testing. Allele origin: germline.
Comment: This sequence change creates a premature translational stop signal (p.Val978Serfs*2) in the PALB2 gene. It is expected to result in an absent or disrupted protein product. Loss-of-function variants in PALB2 are known to be pathogenic (PMID: 17200668, 17200671, 17200672, 24136930, 25099575). This variant is present in population databases (rs587782570, gnomAD 0.0009%). This premature translational stop signal has been observed in individual(s) with hereditary cancer syndromes (PMID: 24763289). ClinVar contains an entry for this variant (Variation ID: 142591). RNA analysis performed to evaluate the impact of this premature translational stop signal on mRNA splicing indicates it does not significantly alter splicing (internal data). For these reasons, this variant has been classified as Pathogenic.

Otogenetics
Classification: Pathogenic for Breast-ovarian cancer, familial, susceptibility to, 5; Hereditary cancer-predisposing syndrome; Pancreatic cancer, susceptibility to, 3; Fanconi anemia complementation group N. Last evaluated: 2025-09-19. Review status: criteria provided, single submitter. Criteria: ACMG Guidelines, 2015. Collection method: clinical testing. Allele origin: germline.
Comment: PVS1: Frameshift variant introduces premature stop codon in gene with loss of function as mechanism of disease, predicted to undergo NMD; PM2: Maximum gnomAD MAF of 0.0009% in European-Non Finnish (NFE) subpopulation (<0.187% threshold); PM5_Supporting: Frameshift variant causes premature stop codon upstream of p.Tyr1183 (PMID 40967221)

GeneDx
Classification: Pathogenic. Last evaluated: 2025-05-13. Review status: criteria provided, single submitter. Criteria: GeneDx Variant Classification Process June 2021. Collection method: clinical testing. Allele origin: germline. Affected: yes.
Comment: Observed in individuals with a personal or family history consistent with pathogenic variants in this gene (PMID: 31173646); Frameshift variant predicted to result in protein truncation or nonsense mediated decay in a gene for which loss of function is a known mechanism of disease; Not observed at significant frequency in large population cohorts (gnomAD); Truncating variants in this gene are considered pathogenic by a well-established clinical consortium and/or database; This variant is associated with the following publications: (PMID: 24763289, 29922827, 31173646)

Blueprint Genetics
Classification: Pathogenic for PALB2-related disorders. Last evaluated: 2024-07-18. Review status: criteria provided, single submitter. Criteria: ACMG Guidelines, 2015. Collection method: clinical testing. Allele origin: germline. Affected: yes. Observed: 1 variant allele.

Quest Diagnostics Nichols Institute San Juan Capistrano
Classification: Pathogenic. Last evaluated: 2024-01-08. Review status: criteria provided, single submitter. Criteria: Quest Diagnostics criteria. Collection method: clinical testing. Allele origin: unknown.
Comment: The PALB2 c.2931dup (p.Val978Serfs*2) variant alters the translational reading frame of the PALB2 mRNA and causes the premature termination of PALB2 protein synthesis. This variant has been reported in the published literature in an individual affected with breast cancer (PMID: 31173646 (2019)), and an individual that underwent hereditary cancer multigene panel testing (PMID: 24763289 (2014)). The frequency of this variant in the general population, 0.000004 (1/251478 chromosomes (Genome Aggregation Database)), is consistent with pathogenicity. Based on the available information, this variant is classified as pathogenic.

Baylor Genetics
Classification: Pathogenic for Familial cancer of breast. Last evaluated: 2023-10-19. Review status: criteria provided, single submitter. Criteria: ACMG Guidelines, 2015. Collection method: clinical testing. Allele origin: unknown.

Institute for Biomarker Research, Medical Diagnostic Laboratories, L.L.C.
Classification: Pathogenic for Hereditary cancer-predisposing syndrome. Last evaluated: 2023-10-10. Review status: criteria provided, single submitter. Criteria: ACMG Guidelines, 2015. Collection method: clinical testing. Allele origin: germline.

Myriad Genetics, Inc.
Classification: Pathogenic for Familial cancer of breast. Last evaluated: 2023-09-14. Review status: criteria provided, single submitter. Criteria: Myriad Autosomal Dominant, Autosomal Recessive and X-Linked Classification Criteria (2023). Collection method: clinical testing. Allele origin: unknown.
Comment: This variant is considered pathogenic. This variant creates a frameshift predicted to result in premature protein truncation.

Ambry Genetics
Classification: Pathogenic for Hereditary cancer-predisposing syndrome. Last evaluated: 2023-03-02. Review status: criteria provided, single submitter. Criteria: Ambry Variant Classification Scheme 2023. Collection method: clinical testing. Allele origin: germline.
Comment: The c.2931dupA pathogenic mutation, located in coding exon 9 of the PALB2 gene, results from a duplication of A at nucleotide position 2931, causing a translational frameshift with a predicted alternate stop codon. This alteration is expected to result in loss of function by premature protein truncation or nonsense-mediated mRNA decay. As such, this alteration is interpreted as a disease-causing mutation.

Literature cited by the submitters: PubMed 17200668 (cited by Labcorp Genetics (formerly Invitae), Labcorp); PubMed 17200671 (cited by Labcorp Genetics (formerly Invitae), Labcorp); PubMed 17200672 (cited by Labcorp Genetics (formerly Invitae), Labcorp); PubMed 24136930 (cited by Labcorp Genetics (formerly Invitae), Labcorp); PubMed 25099575 (cited by Labcorp Genetics (formerly Invitae), Labcorp); PubMed 24763289 (cited by 3 submitters); PubMed 40967221 (cited by Otogenetics); PubMed 31173646 (cited by Quest Diagnostics Nichols Institute San Juan Capistrano); PubMed 29922827 (cited by Quest Diagnostics Nichols Institute San Juan Capistrano).

NM_024675.4(PALB2):c.2931dup (p.Val978fs)

Gene: PALB2 (partner and localizer of BRCA2; minus strand). Cytogenetic location: 16p12.2.
Variant type: Duplication.
Coding change: c.2931dup on transcript NM_024675.4 (MANE Select); coding-DNA position 2931, one base duplicated (A; older notation c.2931dupA).
Protein change: p.Val978fs; shifts the reading frame from valine 978.
Molecular consequence: frameshift variant.
Genome position (GRCh38, 1-based): chr16:23,623,034, T duplicated on the plus strand (A on the coding strand, the reverse complement: PALB2 is on the minus strand). VCF-style (leftmost placement, unchanged base first): chr16-23623033-C-CT. GRCh37 (hg19) VCF-style: chr16-23634354-C-CT.
Other names: c.2931dupA (NM_024675.3, NM_024675.4); short protein forms V978fs.
Identifiers: ClinVar variation 142591 (VCV000142591.23), dbSNP rs587782570, ClinGen allele CA168770.